The following is an entry in ClinVar:

ClinVar aggregate classification (germline): Uncertain significance (1 of 4 stars; one submission).

Conditions:
Malignant hyperthermia, susceptibility to, 5 (MHS5). Also called: CACNA1S-Related Malignant Hyperthermia Susceptibility. Identifiers: Orphanet 423, MedGen C1866077, MONDO:0011163, OMIM 601887.

Submission:

All of Us Research Program, National Institutes of Health
Classification: Uncertain significance for Malignant hyperthermia, susceptibility to, 5. Last evaluated: 2024-05-14. Review status: criteria provided, single submitter. Criteria: ACMG Guidelines, 2015. Collection method: clinical testing. Allele origin: germline. Inheritance: Autosomal dominant inheritance. Observed: 1 variant allele, 1 heterozygote.
Comment: This variant changes 1 nucleotide in exon 12 of the CACNA1S gene, creating a premature translation stop signal. This variant is expected to result in an absent or non-functional protein product. To our knowledge, this variant has not been reported in individuals affected with CACNA1S-related disorders in the literature. Loss of CACNA1S function due to truncation variants is not an established disease mechanism for autosomal dominant malignant hyperthermia. This variant has not been identified in the general population by the Genome Aggregation Database (gnomAD). Due to insufficient evidence, this variant is classified as a Variant of Uncertain Significance for autosomal dominant malignant hyperthermia.

This study involves interpretation of variants in research participants for the purpose of population health screening. Participant phenotype was not available at the time of variant classification. Additional details can be found in publication PMID: 35346344, PMCID: PMC8962531

NM_000069.3(CACNA1S):c.1825C>T (p.Gln609Ter)

Gene: CACNA1S (calcium voltage-gated channel subunit alpha1 S; minus strand). Cytogenetic location: 1q32.1.
Variant type: single nucleotide variant.
Coding change: c.1825C>T on transcript NM_000069.3 (MANE Select); coding-DNA position 1825, C replaced by T.
Protein change: p.Gln609Ter; replaces glutamine 609 with a stop codon.
Molecular consequence: nonsense.
Genome position (GRCh38, 1-based): chr1:201,076,922, G>A on the plus strand (C>T on the coding strand, the complement: CACNA1S is on the minus strand). VCF-style: chr1-201076922-G-A. GRCh37 (hg19) VCF-style: chr1-201046050-G-A.
Other names: short protein forms Q609*.
Identifiers: ClinVar variation 3386371 (VCV003386371.1).